The following is an entry in ClinVar:

ClinVar aggregate classification (germline): Likely pathogenic (1 of 4 stars; one submission).

Conditions:
PMM2-congenital disorder of glycosylation. Also called: PMM2-CDG; CDG Ia; Congenital disorder of glycosylation, type Ia; JAEKEN SYNDROME; PHOSPHOMANNOMUTASE 2 DEFICIENCY; CARBOHYDRATE-DEFICIENT GLYCOPROTEIN SYNDROME, TYPE Ia. Identifiers: Orphanet 79318, MedGen C0349653, MONDO:0008907, OMIM 212065.

Submission:

Labcorp Genetics (formerly Invitae), Labcorp
Classification: Likely pathogenic for PMM2-congenital disorder of glycosylation. Last evaluated: 2023-12-24. Review status: criteria provided, single submitter. Criteria: Invitae Variant Classification Sherloc (09022015). Collection method: clinical testing. Allele origin: germline.
Comment: This sequence change replaces proline, which is neutral and non-polar, with leucine, which is neutral and non-polar, at codon 69 of the PMM2 protein (p.Pro69Leu). This variant is not present in population databases (gnomAD no frequency). This variant has not been reported in the literature in individuals affected with PMM2-related conditions. Advanced modeling of protein sequence and biophysical properties (such as structural, functional, and spatial information, amino acid conservation, physicochemical variation, residue mobility, and thermodynamic stability) performed at Invitae indicates that this missense variant is expected to disrupt PMM2 protein function with a positive predictive value of 95%. Algorithms developed to predict the effect of sequence changes on RNA splicing suggest that this variant may disrupt the consensus splice site. This variant disrupts the p.Pro69 amino acid residue in PMM2. Other variant(s) that disrupt this residue have been determined to be pathogenic (PMID: 22801829, 31391289). This suggests that this residue is clinically significant, and that variants that disrupt this residue are likely to be disease-causing. In summary, the currently available evidence indicates that the variant is pathogenic, but additional data are needed to prove that conclusively. Therefore, this variant has been classified as Likely Pathogenic.

Literature cited by the submitters: PubMed 22801829; PubMed 31391289.

NM_000303.3(PMM2):c.206C>T (p.Pro69Leu)

Gene: PMM2 (phosphomannomutase 2; plus strand). Cytogenetic location: 16p13.2.
Variant type: single nucleotide variant.
Coding change: c.206C>T on transcript NM_000303.3 (MANE Select); coding-DNA position 206, C replaced by T.
Protein change: p.Pro69Leu; replaces proline 69 with leucine.
Molecular consequence: missense variant.
Genome position (GRCh38, 1-based): chr16:8,804,794, C>T. VCF-style: chr16-8804794-C-T. GRCh37 (hg19) VCF-style: chr16-8898651-C-T.
Other names: short protein forms P69L.
Identifiers: ClinVar variation 2805486 (VCV002805486.3), dbSNP rs2549144469, ClinGen allele CA394695867.
Genomic context (GRCh38, chr16:8,804,794, plus strand): 5'-GCATTCTAAGTGTTTTTTTGGTTTTGATTGTAGTGGTTGAAAAATACGATTATGTGTTTC[C>T]AGAAAATGGCTTGGTAGCATACAAAGATGGGAAACTCTTGTGTAGACAGGTAGGTTCTTG-3'
Protein context (NP_000294.1, residues 59-79): DVVEKYDYVF[Pro69Leu]ENGLVAYKDG